The following is an entry in ClinVar:

ClinVar aggregate classification (germline): Likely benign (0 of 4 stars; one submission).

Conditions:
PTPRU-related disorder. Also called: PTPRU-related condition.

Allele frequency attached by ClinVar (database versions not stated): gnomAD 0.00019; TOPMed 0.00020; ESP Exome Variant Server 0.00023; gnomAD exomes 0.00033; ExAC 0.00034.
gnomAD v4.1: 518 of 1,611,800 alleles (0.032%); highest among the groups gnomAD compares: Non-Finnish European, 0.04%; 1 homozygote.

Submission:

PreventionGenetics, part of Exact Sciences
Classification: Likely benign for PTPRU-related condition. Last evaluated: 2019-10-28. Review status: no assertion criteria provided. Collection method: clinical testing. Allele origin: germline.
Comment: This variant is classified as likely benign based on ACMG/AMP sequence variant interpretation guidelines (Richards et al. 2015 PMID: 25741868, with internal and published modifications).

NM_133178.4(PTPRU):c.2724G>T (p.Arg908=)

Gene: PTPRU (protein tyrosine phosphatase receptor type U; plus strand). Cytogenetic location: 1p35.3.
Variant type: single nucleotide variant.
Coding change: c.2724G>T on transcript NM_133178.4 (MANE Select); coding-DNA position 2724, G replaced by T.
Protein change: p.Arg908=; no amino-acid change (arginine 908 retained).
Molecular consequence: synonymous variant.
Genome position (GRCh38, 1-based): chr1:29,304,830, G>T. VCF-style: chr1-29304830-G-T. GRCh37 (hg19) VCF-style: chr1-29631342-G-T.
Other names: c.2724G>T, p.Arg908= (NM_001195001.2, NM_133177.4); c.2754G>T, p.Arg918= (NM_005704.5).
Identifiers: ClinVar variation 3046260 (VCV003046260.2), dbSNP rs139236311, ClinGen allele CA726789.